The following is an entry in ClinVar:

ClinVar aggregate classification (germline): Uncertain significance. Review status: criteria provided, multiple submitters, no conflicts (2 of 4 stars). 2 submissions from 2 submitters: Uncertain significance (2). Last evaluated 2023-01-18.

Conditions:
Inborn genetic diseases. Identifiers: MedGen C0950123, MeSH D030342.
Marinesco-Sjögren syndrome (MSS). Also called: Marinesco-SjÃ¶gren syndrome; Marinesco-Sjogren Syndrome. Identifiers: Orphanet 559, MedGen C0024814, MONDO:0009567, OMIM 248800.

Allele frequency attached by ClinVar (database versions not stated): TOPMed 0.00002; ExAC 0.00003.
gnomAD v4.1: 27 of 1,583,822 alleles (0.0017%); highest among the groups gnomAD compares: East Asian, 0.0069%; no homozygotes.

Submissions (2):

Ambry Genetics
Classification: Uncertain significance for Inborn genetic diseases. Last evaluated: 2023-01-18. Review status: criteria provided, single submitter. Criteria: Ambry Variant Classification Scheme 2023. Collection method: clinical testing. Allele origin: germline.

Labcorp Genetics (formerly Invitae), Labcorp
Classification: Uncertain significance for Marinesco-Sjögren syndrome. Last evaluated: 2022-08-11. Review status: criteria provided, single submitter. Criteria: Invitae Variant Classification Sherloc (09022015). Collection method: clinical testing. Allele origin: germline.
Comment: In summary, the available evidence is currently insufficient to determine the role of this variant in disease. Therefore, it has been classified as a Variant of Uncertain Significance. Algorithms developed to predict the effect of missense changes on protein structure and function are either unavailable or do not agree on the potential impact of this missense change (SIFT: "Deleterious"; PolyPhen-2: "Probably Damaging"; Align-GVGD: "Class C15"). This variant has not been reported in the literature in individuals affected with SIL1-related conditions. This variant is present in population databases (rs760154020, gnomAD 0.008%). This sequence change replaces glycine, which is neutral and non-polar, with arginine, which is basic and polar, at codon 311 of the SIL1 protein (p.Gly311Arg).

NM_022464.5(SIL1):c.931G>A (p.Gly311Arg)

Gene: SIL1 (SIL1 nucleotide exchange factor; minus strand). Cytogenetic location: 5q31.2.
Variant type: single nucleotide variant.
Coding change: c.931G>A on transcript NM_022464.5 (MANE Select); coding-DNA position 931, G replaced by A.
Protein change: p.Gly311Arg; replaces glycine 311 with arginine.
Molecular consequence: missense variant.
Genome position (GRCh38, 1-based): chr5:138,951,269, C>T on the plus strand (G>A on the coding strand, the complement: SIL1 is on the minus strand). VCF-style: chr5-138951269-C-T. GRCh37 (hg19) VCF-style: chr5-138286958-C-T.
Other names: c.931G>A (NM_022464.4); c.931G>A, p.Gly311Arg (NM_001037633.2); short protein forms G311R.
Identifiers: ClinVar variation 2037619 (VCV002037619.4), dbSNP rs760154020, ClinGen allele CA3432439.
Genomic context (GRCh38, chr5:138,951,269, plus strand): 5'-GCACGGCGAGCACCTCCGTGCCCTTCTCCTGCACCAGGGTCCTCAGGACCTGCAGCCCCC[C>T]GAGCTTCAGGAACTGCCGCTGGGCATAGGGGAAGTGGCGCAGCAGGGAGCACAGTGCAAA-3'
Protein context (NP_071909.1, residues 301-321): PYAQRQFLKL[Gly311Arg]GLQVLRTLVQ